The following is an entry in ClinVar:

NM_000070.3(CAPN3):c.1782+263_1782+264insAGAG

Gene: CAPN3 (calpain 3; plus strand). Cytogenetic location: 15q15.1.
Variant type: Insertion.
Coding change: c.1782+263_1782+264insAGAG on transcript NM_000070.3 (MANE Select); bases 263 to 264 of the intron after coding-DNA position 1782, AGAG inserted.
Molecular consequence: intron variant.
Genome position: GRCh38 VCF-style: chr15-42404040-C-CAGAG. GRCh37 (hg19) VCF-style: chr15-42696238-C-CAGAG.
Other names: c.1782+263_1782+264insAGAG (NM_024344.2); c.1638+263_1638+264insAGAG (NM_173087.2); c.246+263_246+264insAGAG (NM_173088.2).
Identifiers: ClinVar variation 671687 (VCV000671687.1), dbSNP rs111814065, ClinGen allele CA269845311.

ClinVar aggregate classification (germline): Benign (1 of 4 stars; one submission).

Allele frequency attached by ClinVar (database versions not stated): 1000 Genomes Project 0.17432; 1000 Genomes Project 30x 0.18239; gnomAD exomes 0.05358.

Submission:

GeneDx
Classification: Benign. Last evaluated: 2018-06-18. Review status: criteria provided, single submitter. Criteria: GeneDx Variant Classification (06012015). Collection method: clinical testing. Allele origin: germline. Affected: yes.
Comment: This variant is considered likely benign or benign based on one or more of the following criteria: it is a conservative change, it occurs at a poorly conserved position in the protein, it is predicted to be benign by multiple in silico algorithms, and/or has population frequency not consistent with disease.